The following is an entry in ClinVar:

ClinVar aggregate classification (germline): Pathogenic (1 of 4 stars; one submission).

Conditions:
Neurofibromatosis, type 1 (NF1). Also called: Peripheral type neurofibromatosis; VON RECKLINGHAUSEN DISEASE; NEUROFIBROMATOSIS, TYPE I, SOMATIC; Neurofibromatosis, type I. Identifiers: Orphanet 636, MedGen C0027831, MONDO:0018975, OMIM 162200. Disease mechanism: loss of function.

Submission:

Labcorp Genetics (formerly Invitae), Labcorp
Classification: Pathogenic for Neurofibromatosis, type 1. Last evaluated: 2020-11-05. Review status: criteria provided, single submitter. Criteria: Invitae Variant Classification Sherloc (09022015). Collection method: clinical testing. Allele origin: germline.
Comment: This sequence change creates a premature translational stop signal (p.Thr30Hisfs*14) in the NF1 gene. It is expected to result in an absent or disrupted protein product. Loss-of-function variants in NF1 are known to be pathogenic (PMID: 10712197, 23913538). This variant is not present in population databases (ExAC no frequency). This variant has not been reported in the literature in individuals with NF1-related conditions. For these reasons, this variant has been classified as Pathogenic.

Literature cited by the submitters: PubMed 10712197; PubMed 23913538.

NM_001042492.3(NF1):c.88del (p.Thr30fs)

Gene: NF1 (neurofibromin 1; plus strand). Cytogenetic location: 17q11.2.
Variant type: Deletion.
Coding change: c.88del on transcript NM_001042492.3 (MANE Select); coding-DNA position 88, one base deleted (A; older notation c.88delA).
Protein change: p.Thr30fs; shifts the reading frame from threonine 30.
Molecular consequence: frameshift variant.
Genome position (GRCh38, 1-based): chr17:31,156,010, A deleted. VCF-style (leftmost placement, unchanged base first): chr17-31156009-CA-C. GRCh37 (hg19) VCF-style: chr17-29483027-CA-C.
Other names: c.88delA, p.Thr30Hisfs (NM_000267.4); c.88del, p.Thr30fs (NM_001128147.3); short protein forms T30fs.
Identifiers: ClinVar variation 1439462 (VCV001439462.6), dbSNP rs2143625553, ClinGen allele CA2573153520.